The following is an entry in ClinVar:

NM_001367823.1(ARHGEF18):c.2602G>T (p.Gly868Trp)

Gene: ARHGEF18 (Rho/Rac guanine nucleotide exchange factor 18; plus strand). Cytogenetic location: 19p13.2.
Variant type: single nucleotide variant.
Coding change: c.2602G>T on transcript NM_001367823.1 (MANE Select); coding-DNA position 2602, G replaced by T.
Protein change: p.Gly868Trp; replaces glycine 868 with tryptophan.
Molecular consequence: missense variant.
Genome position (GRCh38, 1-based): chr19:7,462,301, G>T. VCF-style: chr19-7462301-G-T. GRCh37 (hg19) VCF-style: chr19-7527187-G-T.
Other names: c.2038G>T (NM_001130955.1); c.1876G>T, p.Gly626Trp (NM_001130955.2); c.1564G>T, p.Gly522Trp (NM_001367824.1, NM_015318.4); short protein forms G522W, G626W, G868W.
Identifiers: ClinVar variation 999500 (VCV000999500.11), dbSNP rs777868782, ClinGen allele CA9136912.

ClinVar aggregate classification (germline): Uncertain significance. Review status: criteria provided, multiple submitters, no conflicts (2 of 4 stars). 3 submissions from 3 submitters: Uncertain significance (3). Last evaluated 2025-03-19.

Conditions:
Inborn genetic diseases. Identifiers: MedGen C0950123, MeSH D030342.

Allele frequency attached by ClinVar (database versions not stated): gnomAD 0.00003 and 0.00005; ExAC 0.00004; TOPMed 0.00004; gnomAD exomes 0.00005.
gnomAD v4.1: 79 of 1,607,990 alleles (0.0049%); highest among the groups gnomAD compares: Middle Eastern, 0.017%; no homozygotes.

Submissions (3):

Ambry Genetics
Classification: Uncertain significance for Inborn genetic diseases. Last evaluated: 2025-03-19. Review status: criteria provided, single submitter. Criteria: Ambry Variant Classification Scheme 2023. Collection method: clinical testing. Allele origin: germline.

Labcorp Genetics (formerly Invitae), Labcorp
Classification: Uncertain significance. Last evaluated: 2024-10-26. Review status: criteria provided, single submitter. Criteria: Invitae Variant Classification Sherloc (09022015). Collection method: clinical testing. Allele origin: germline.
Comment: This sequence change replaces glycine, which is neutral and non-polar, with tryptophan, which is neutral and slightly polar, at codon 680 of the ARHGEF18 protein (p.Gly680Trp). This variant is present in population databases (rs777868782, gnomAD 0.01%). This variant has not been reported in the literature in individuals affected with ARHGEF18-related conditions. ClinVar contains an entry for this variant (Variation ID: 999500). An algorithm developed to predict the effect of missense changes on protein structure and function (PolyPhen-2) suggests that this variant is likely to be disruptive. In summary, the available evidence is currently insufficient to determine the role of this variant in disease. Therefore, it has been classified as a Variant of Uncertain Significance.

Blueprint Genetics
Classification: Uncertain significance. Last evaluated: 2024-08-12. Review status: criteria provided, single submitter. Criteria: ACMG Guidelines, 2015. Collection method: clinical testing. Allele origin: germline.